The following is an entry in ClinVar:

NM_000093.5(COL5A1):c.3111G>A (p.Thr1037=)

Gene: COL5A1 (collagen type V alpha 1 chain; plus strand). Cytogenetic location: 9q34.3.
Variant type: single nucleotide variant.
Coding change: c.3111G>A on transcript NM_000093.5 (MANE Select); coding-DNA position 3111, G replaced by A.
Protein change: p.Thr1037=; no amino-acid change (threonine 1037 retained).
Molecular consequence: synonymous variant.
Genome position (GRCh38, 1-based): chr9:134,802,992, G>A. VCF-style: chr9-134802992-G-A. GRCh37 (hg19) VCF-style: chr9-137694838-G-A.
Other names: p.Thr1037=; c.3111G>A, p.Thr1037= (NM_001278074.1); c.3111G>A (NM_000093.3).
Identifiers: ClinVar variation 365718 (VCV000365718.19), dbSNP rs758336822, ClinGen allele CA5319753.
Genomic context (GRCh38, chr9:134,802,992, plus strand): 5'-TGGGCCCCCTGGACCCCCCGGTGAACAGGGGCTTCCGGGCCTTGCTGGAAAAGAAGGGAC[G>A]AAGGTGAGTTTCTGGAGCCTTCTGTGTCAGCTCAGGCGTTTCCTCAGGAATCATTTTGGG-3'
Protein context (NP_000084.3, residues 1027-1047): GLPGLAGKEG[Thr1037=]KGDPGPAGLP

ClinVar aggregate classification (germline): Likely benign. Review status: criteria provided, multiple submitters, no conflicts (2 of 4 stars). 6 submissions from 6 submitters: Likely benign (6). Last evaluated 2026-02-03.

Conditions:
Ehlers-Danlos syndrome, classic type, 1 (EDSCL1). Also called: Ehlers-Danlos syndrome, type 1; EHLERS-DANLOS SYNDROME, GRAVIS TYPE; EHLERS-DANLOS SYNDROME, SEVERE CLASSIC TYPE; Ehlers-Danlos Syndrome, Classic Type, COL5A1-Related; EDS I. Identifiers: MedGen C0268335, MONDO:0019567, OMIM 130000.
Familial thoracic aortic aneurysm and aortic dissection (TAAD). Also called: Thoracic aortic aneurysms and dissections. Identifiers: Orphanet 91387, MedGen C4707243, MONDO:0019625.

Allele frequency attached by ClinVar (database versions not stated): gnomAD exomes 0.00002 and 0.00006; ExAC 0.00003; gnomAD 0.00005 and 0.00007; TOPMed 0.00009.
gnomAD v4.1: 94 of 1,597,828 alleles (0.0059%); highest among the groups gnomAD compares: Middle Eastern, 0.017%; no homozygotes.

Submissions (6):

Labcorp Genetics (formerly Invitae), Labcorp
Classification: Likely benign for Ehlers-Danlos syndrome, classic type, 1. Last evaluated: 2026-02-03. Review status: criteria provided, single submitter. Criteria: Invitae Variant Classification Sherloc (09022015). Collection method: clinical testing. Allele origin: germline.

Mayo Clinic Laboratories, Mayo Clinic
Classification: Likely benign. Last evaluated: 2025-10-20. Review status: criteria provided, single submitter. Criteria: ACMG Guidelines, 2015. Collection method: clinical testing. Allele origin: germline. Observed: 1 variant allele.
Comment: BP4, BP7

Women's Health and Genetics/Laboratory Corporation of America, LabCorp
Classification: Likely benign. Last evaluated: 2025-09-22. Review status: criteria provided, single submitter. Criteria: LabCorp Variant Classification Summary - May 2015. Collection method: clinical testing. Allele origin: germline.

Blueprint Genetics
Classification: Likely benign. Last evaluated: 2024-03-12. Review status: criteria provided, single submitter. Criteria: ACMG Guidelines, 2015. Collection method: clinical testing. Allele origin: germline.

Ambry Genetics
Classification: Likely benign for Familial thoracic aortic aneurysm and aortic dissection. Last evaluated: 2022-12-11. Review status: criteria provided, single submitter. Criteria: Ambry Variant Classification Scheme 2023. Collection method: clinical testing. Allele origin: germline.

GeneDx
Classification: Likely benign. Last evaluated: 2020-01-09. Review status: criteria provided, single submitter. Criteria: GeneDx Variant Classification Process June 2021. Collection method: clinical testing. Allele origin: germline. Affected: yes.